The following is an entry in ClinVar:

NM_014946.4(SPAST):c.1538C>T (p.Thr513Ile)

Gene: SPAST (spastin; plus strand). Cytogenetic location: 2p22.3.
Variant type: single nucleotide variant.
Coding change: c.1538C>T on transcript NM_014946.4 (MANE Select); coding-DNA position 1538, C replaced by T.
Protein change: p.Thr513Ile; replaces threonine 513 with isoleucine.
Molecular consequence: missense variant.
Genome position (GRCh38, 1-based): chr2:32,143,337, C>T. VCF-style: chr2-32143337-C-T. GRCh37 (hg19) VCF-style: chr2-32368406-C-T.
Other names: c.1535C>T, p.Thr512Ile (NM_001363823.2); c.1439C>T, p.Thr480Ile (NM_001363875.2); c.1442C>T, p.Thr481Ile (NM_001377959.1, NM_199436.2); short protein forms T481I, T480I, T513I, T512I.
Identifiers: ClinVar variation 1433677 (VCV001433677.6), dbSNP rs2148759367, ClinGen allele CA346503579.

ClinVar aggregate classification (germline): Uncertain significance (1 of 4 stars; one submission).

Conditions:
Hereditary spastic paraplegia 4. Also called: Spastic paraplegia 4, autosomal dominant; Familial spastic paraplegia autosomal dominant 2; Spastic Paraplegia 4. Identifiers: Orphanet 100985, MedGen C1866855, MONDO:0008438, OMIM 182601.

Submission:

Labcorp Genetics (formerly Invitae), Labcorp
Classification: Uncertain significance for Hereditary spastic paraplegia 4. Last evaluated: 2022-07-26. Review status: criteria provided, single submitter. Criteria: Invitae Variant Classification Sherloc (09022015). Collection method: clinical testing. Allele origin: germline.
Comment: In summary, the available evidence is currently insufficient to determine the role of this variant in disease. Therefore, it has been classified as a Variant of Uncertain Significance. Algorithms developed to predict the effect of missense changes on protein structure and function are either unavailable or do not agree on the potential impact of this missense change (SIFT: "Deleterious"; PolyPhen-2: "Probably Damaging"; Align-GVGD: "Class C15"). ClinVar contains an entry for this variant (Variation ID: 1433677). This variant has not been reported in the literature in individuals affected with SPAST-related conditions. This variant is not present in population databases (gnomAD no frequency). This sequence change replaces threonine, which is neutral and polar, with isoleucine, which is neutral and non-polar, at codon 513 of the SPAST protein (p.Thr513Ile).